The following is an entry in ClinVar:

NM_000052.7(ATP7A):c.2161G>A (p.Val721Ile)

Gene: ATP7A (ATPase copper transporting alpha; plus strand). Cytogenetic location: Xq21.1.
Variant type: single nucleotide variant.
Coding change: c.2161G>A on transcript NM_000052.7 (MANE Select); coding-DNA position 2161, G replaced by A.
Protein change: p.Val721Ile; replaces valine 721 with isoleucine.
Molecular consequence: missense variant.
Genome position (GRCh38, 1-based): chrX:78,011,663, G>A. VCF-style: chrX-78011663-G-A. GRCh37 (hg19) VCF-style: chrX-77267160-G-A.
Other names: c.2161G>A, p.Val721Ile (NM_001282224.2); short protein forms V721I.
Identifiers: ClinVar variation 1327643 (VCV001327643.2), dbSNP rs1557234543, ClinGen allele CA413598552.

ClinVar aggregate classification (germline): Uncertain significance (1 of 4 stars; one submission).

gnomAD v4.1: 8 of 1,207,912 alleles (0.00066%); highest among the groups gnomAD compares: Non-Finnish European, 0.0009%; no homozygotes.

Submission:

GeneDx
Classification: Uncertain significance. Last evaluated: 2021-06-10. Review status: criteria provided, single submitter. Criteria: GeneDx Variant Classification Process June 2021. Collection method: clinical testing. Allele origin: germline. Affected: yes.
Comment: Has not been previously published as pathogenic or benign to our knowledge; Not observed at significant frequency in large population cohorts (Lek et al., 2016); In silico analysis supports that this missense variant does not alter protein structure/function; This variant is associated with the following publications: (PMID: 27535533)